The following is an entry in ClinVar:

ClinVar aggregate classification (germline): Uncertain significance. Review status: criteria provided, multiple submitters, no conflicts (2 of 4 stars). 3 submissions from 3 submitters: Uncertain significance (3). Last evaluated 2025-10-08.

Conditions:
Holoprosencephaly 9 (HPE9). Also called: PITUITARY ANOMALIES WITH HOLOPROSENCEPHALY-LIKE FEATURES; HOLOPROSENCEPHALY WITH MICROPHTHALMIA AND FIRST BRANCHIAL ARCH ANOMALIES. Identifiers: Orphanet 2162, MedGen C1835819, MONDO:0012563, OMIM 610829.
Postaxial polydactyly-anterior pituitary anomalies-facial dysmorphism syndrome. Also called: Culler-Jones syndrome. Identifiers: Orphanet 420584, MedGen C4014479, MONDO:0014369, OMIM 615849.

Allele frequency attached by ClinVar (database versions not stated): TOPMed 0.00008; ExAC 0.00014; gnomAD exomes 0.00008.
gnomAD v4.1: 195 of 1,451,346 alleles (0.013%); highest among the groups gnomAD compares: Non-Finnish European, 0.015%; no homozygotes.

Submissions (3):

Labcorp Genetics (formerly Invitae), Labcorp
Classification: Uncertain significance for Postaxial polydactyly-anterior pituitary anomalies-facial dysmorphism syndrome; Holoprosencephaly 9. Last evaluated: 2025-10-08. Review status: criteria provided, single submitter. Criteria: Invitae Variant Classification Sherloc (09022015). Collection method: clinical testing. Allele origin: germline.
Comment: This sequence change replaces proline, which is neutral and non-polar, with leucine, which is neutral and non-polar, at codon 906 of the GLI2 protein (p.Pro906Leu). The frequency data for this variant in the population databases is considered unreliable, as metrics indicate poor data quality at this position in the gnomAD database. This variant has not been reported in the literature in individuals affected with GLI2-related conditions. ClinVar contains an entry for this variant (Variation ID: 892597). Invitae Evidence Modeling of protein sequence and biophysical properties (such as structural, functional, and spatial information, amino acid conservation, physicochemical variation, residue mobility, and thermodynamic stability) indicates that this missense variant is expected to disrupt GLI2 protein function with a positive predictive value of 80%. In summary, the available evidence is currently insufficient to determine the role of this variant in disease. Therefore, it has been classified as a Variant of Uncertain Significance.

Centre for Mendelian Genomics, University Medical Centre Ljubljana
Classification: Uncertain significance for Holoprosencephaly 9. Last evaluated: 2019-06-20. Review status: criteria provided, single submitter. Criteria: ACMG Guidelines, 2015. Collection method: clinical testing. Allele origin: unknown. Affected: yes.
Comment: This variant was classified as: Uncertain significance. The available evidence on this variant's pathogenicity is insufficient or conflicting. The following ACMG criteria were applied in classifying this variant: PP3.

Illumina Laboratory Services, Illumina
Classification: Uncertain significance for Holoprosencephaly 9. Last evaluated: 2017-08-22. Review status: criteria provided, single submitter. Criteria: ICSL Variant Classification Criteria 13 December 2019. Collection method: clinical testing. Allele origin: germline.

NM_001374353.1(GLI2):c.2666C>T (p.Pro889Leu)

Gene: GLI2 (GLI family zinc finger 2; plus strand). Cytogenetic location: 2q14.2.
Variant type: single nucleotide variant.
Coding change: c.2666C>T on transcript NM_001374353.1 (MANE Select); coding-DNA position 2666, C replaced by T.
Protein change: p.Pro889Leu; replaces proline 889 with leucine.
Molecular consequence: missense variant.
Genome position (GRCh38, 1-based): chr2:120,988,631, C>T. VCF-style: chr2-120988631-C-T. GRCh37 (hg19) VCF-style: chr2-121746207-C-T.
Other names: c.2717C>T, p.Pro906Leu (NM_001371271.1, NM_005270.5); c.2291C>T, p.Pro764Leu (NM_001374354.1); short protein forms P889L, P906L, P764L.
Identifiers: ClinVar variation 892597 (VCV000892597.12), dbSNP rs759061834, ClinGen allele CA1852269.
Genomic context (GRCh38, chr2:120,988,631, plus strand): 5'-AGTACAGCCTGCGGGCCAAGTACGCGGCAGCCACTGGCGGCCCCCCGCCCACTCCGCTGC[C>T]GGGCCTGGAGCGCATGAGCCTGCGGACCAGGCTGGCGCTGCTGGACGCGCCCGAGCGCAC-3'
Protein context (NP_001361282.1, residues 879-899): ATGGPPPTPL[Pro889Leu]GLERMSLRTR